The following is an entry in ClinVar:

NM_001605.3(AARS1):c.2401-283T>C

Gene: AARS1 (alanyl-tRNA synthetase 1; minus strand). Cytogenetic location: 16q22.1.
Variant type: single nucleotide variant.
Coding change: c.2401-283T>C on transcript NM_001605.3 (MANE Select); 283 bases into the intron before coding-DNA position 2401, T replaced by C.
Molecular consequence: intron variant.
Genome position (GRCh38, 1-based): chr16:70,254,321, A>G on the plus strand (T>C on the coding strand, the complement: AARS1 is on the minus strand). VCF-style: chr16-70254321-A-G. GRCh37 (hg19) VCF-style: chr16-70288224-A-G.
Identifiers: ClinVar variation 673437 (VCV000673437.2), dbSNP rs8046662, ClinGen allele CA14316538.

ClinVar aggregate classification (germline): Benign. Review status: criteria provided, multiple submitters, no conflicts (2 of 4 stars). 2 submissions from 2 submitters: Benign (2). Last evaluated 2018-06-16.

Allele frequency attached by ClinVar (database versions not stated): gnomAD exomes 0.00814; gnomAD 0.06974 and 0.07485; TOPMed 0.07694; 1000 Genomes Project 0.08087; 1000 Genomes Project 30x 0.08573.

Submissions (2):

GeneDx
Classification: Benign. Last evaluated: 2018-06-16. Review status: criteria provided, single submitter. Criteria: GeneDx Variant Classification (06012015). Collection method: clinical testing. Allele origin: germline. Affected: yes.
Comment: This variant is considered likely benign or benign based on one or more of the following criteria: it is a conservative change, it occurs at a poorly conserved position in the protein, it is predicted to be benign by multiple in silico algorithms, and/or has population frequency not consistent with disease.

Breakthrough Genomics
Classification: Benign. Review status: criteria provided, single submitter. Criteria: ACMG Guidelines, 2015. Collection method: not provided. Allele origin: germline. Inheritance: Autosomal recessive inheritance. Affected: yes.